The following is an entry in ClinVar:

NM_002063.4(GLRA2):c.965C>T (p.Ala322Val)

Genes: FANCB (FA complementation group B; minus strand), GLRA2 (glycine receptor alpha 2; plus strand). Cytogenetic location: Xp22.2.
Variant type: single nucleotide variant.
Coding change: c.965C>T on transcript NM_002063.4 (MANE Select); coding-DNA position 965, C replaced by T.
Protein change: p.Ala322Val; replaces alanine 322 with valine.
Molecular consequence: missense variant.
Genome position (GRCh38, 1-based): chrX:14,690,744, C>T. VCF-style: chrX-14690744-C-T. GRCh37 (hg19) VCF-style: chrX-14708866-C-T.
Other names: c.965C>T, p.Ala322Val (NM_001118885.2, NM_001118886.2); c.698C>T, p.Ala233Val (NM_001171942.2); short protein forms A233V, A322V.
Identifiers: ClinVar variation 3350226 (VCV003350226.2).

ClinVar aggregate classification (germline): Uncertain significance. Review status: criteria provided, single submitter (1 of 4 stars). 2 submissions from 2 submitters: Uncertain significance (1). 1 of the submissions does not count toward it. Last evaluated 2026-04-07.

Conditions:
GLRA2-related disorder. Also called: GLRA2-related condition.

gnomAD v4.1: 2 of 1,204,001 alleles (0.00017%); highest among the groups gnomAD compares: Non-Finnish European, 0.00022%; no homozygotes.

Submissions (2):

GeneDx
Classification: Uncertain significance. Last evaluated: 2026-04-07. Review status: criteria provided, single submitter. Criteria: GeneDx Variant Classification Process June 2021. Collection method: clinical testing. Allele origin: germline.
Comment: Not observed at significant frequency in large population cohorts (gnomAD); In silico analysis supports that this missense variant has a deleterious effect on protein structure/function; Has not been previously published as pathogenic or benign to our knowledge

PreventionGenetics, part of Exact Sciences
Classification: Uncertain significance for GLRA2-related condition. Last evaluated: 2024-03-14. Review status: no assertion criteria provided. Collection method: clinical testing. Allele origin: germline. Not counted in ClinVar's aggregate classification.
Comment: The GLRA2 c.965C>T variant is predicted to result in the amino acid substitution p.Ala322Val. To our knowledge, this variant has not been reported in the literature or in a large population database, indicating this variant is rare. At this time, the clinical significance of this variant is uncertain due to the absence of conclusive functional and genetic evidence.